The following is an entry in ClinVar:

NM_004364.5(CEBPA):c.337G>C (p.Ala113Pro)

Gene: CEBPA (CCAAT enhancer binding protein alpha; minus strand). Cytogenetic location: 19q13.11.
Variant type: single nucleotide variant.
Coding change: c.337G>C on transcript NM_004364.5 (MANE Select); coding-DNA position 337, G replaced by C.
Protein change: p.Ala113Pro; replaces alanine 113 with proline.
Molecular consequence: missense variant. On other transcripts: 5 prime UTR variant (1).
Genome position (GRCh38, 1-based): chr19:33,302,078, C>G on the plus strand (G>C on the coding strand, the complement: CEBPA is on the minus strand). VCF-style: chr19-33302078-C-G. GRCh37 (hg19) VCF-style: chr19-33792984-C-G.
Other names: c.-21G>C (NM_001285829.2); c.442G>C, p.Ala148Pro (NM_001287424.2); c.295G>C, p.Ala99Pro (NM_001287435.2); short protein forms A113P, A148P, A99P.
Identifiers: ClinVar variation 1692806 (VCV001692806.1), dbSNP rs1967188795, ClinGen allele CA405275162.

ClinVar aggregate classification (germline): Uncertain significance (1 of 4 stars; one submission).

Conditions:
Hereditary cancer-predisposing syndrome. Also called: Hereditary neoplastic syndrome; Tumor predisposition; Neoplastic Syndromes, Hereditary; Hereditary Cancer Syndrome. Identifiers: Orphanet 140162, MedGen C0027672, MeSH D009386, MONDO:0015356.

Submission:

Sema4
Classification: Uncertain significance for Hereditary cancer-predisposing syndrome. Last evaluated: 2021-11-22. Review status: criteria provided, single submitter. Criteria: Sema4 Curation Guidelines. Collection method: curation. Allele origin: germline.
Comment: The CEBPA c.337G>C (p.A113P) variant has not been reported in the literature to our knowledge. It was not observed in the large and broad cohorts of the Genome Aggregation Database, and has not been reported in ClinVar. In silico tools suggest the impact of the variant on protein function is benign, though these predictions have not been confirmed by functional studies. The evidence is insufficient to meet ACMG/AMP criteria for classifying the variant as benign or pathogenic. Thus, the clinical significance of this variant is currently uncertain.